The following is an entry in ClinVar:

NM_139076.3(ABRAXAS1):c.137C>T (p.Thr46Ile)

Gene: ABRAXAS1 (abraxas 1, BRCA1 A complex subunit; minus strand). Cytogenetic location: 4q21.23.
Variant type: single nucleotide variant.
Coding change: c.137C>T on transcript NM_139076.3 (MANE Select); coding-DNA position 137, C replaced by T.
Protein change: p.Thr46Ile; replaces threonine 46 with isoleucine.
Molecular consequence: missense variant. On other transcripts: 5 prime UTR variant (1).
Genome position (GRCh38, 1-based): chr4:83,482,195, G>A on the plus strand (C>T on the coding strand, the complement: ABRAXAS1 is on the minus strand). VCF-style: chr4-83482195-G-A. GRCh37 (hg19) VCF-style: chr4-84403348-G-A.
Other names: c.-124C>T (NM_001345962.2); short protein forms T46I.
Identifiers: ClinVar variation 3994637 (VCV003994637.1).

ClinVar aggregate classification (germline): Uncertain significance (1 of 4 stars; one submission).

Submission:

Ambry Genetics
Classification: Uncertain significance. Last evaluated: 2025-06-03. Review status: criteria provided, single submitter. Criteria: Ambry Variant Classification Scheme 2023. Collection method: clinical testing. Allele origin: germline.
Comment: The p.T46I variant (also known as c.137C>T), located in coding exon 2 of the FAM175A gene, results from a C to T substitution at nucleotide position 137. The threonine at codon 46 is replaced by isoleucine, an amino acid with similar properties. This amino acid position is conserved. In addition, this alteration is predicted to be deleterious by in silico analysis. Based on the available evidence, the clinical significance of this variant remains unclear.